The following is an entry in ClinVar:

NM_000091.5(COL4A3):c.4017del (p.Gly1340fs)

Genes: MFF-DT (MFF divergent transcript; minus strand), COL4A3 (collagen type IV alpha 3 chain; plus strand). Cytogenetic location: 2q36.3.
Variant type: Deletion.
Coding change: c.4017del on transcript NM_000091.5 (MANE Select); coding-DNA position 4017, one base deleted (A; older notation c.4017delA).
Protein change: p.Gly1340fs; shifts the reading frame from glycine 1340.
Molecular consequence: frameshift variant.
Genome position (GRCh38, 1-based): chr2:227,303,920, A deleted; the last of 4 consecutive A bases (chr2:227,303,917-227,303,920); deleting any one gives the same sequence. VCF-style (leftmost placement, unchanged base first): chr2-227303916-CA-C. GRCh37 (hg19) VCF-style: chr2-228168632-CA-C.
Other names: short protein forms G1340fs.
Identifiers: ClinVar variation 3601067 (VCV003601067.1).
Genomic context (GRCh38, chr2:227,303,916, plus strand): 5'-TAGGAGAAAAGGGTAATCCTGGATTTCTAGGATCCATTGGACCTCCAGGACCAATTGGGC[CA>C]AAAGGACCACCTGGTAAATAAACGTCCTTACTATTGCTGTCAATGAAGAAAGGTAACACA-3'

ClinVar aggregate classification (germline): Pathogenic (1 of 4 stars; one submission).

Conditions:
Autosomal recessive Alport syndrome (ATS2). Also called: Alport syndrome type 2; COL4A4 Alport Syndrome and Thin Basement Membrane Nephropathy; ALPORT SYNDROME 2, AUTOSOMAL RECESSIVE; COL4A3-Related Nephropathy. Identifiers: Orphanet 63, Orphanet 88919, MedGen C4746745, MONDO:0008762, OMIM 203780.

Submission:

Institute of Rare Diseases, West China Hospital, Sichuan University
Classification: Pathogenic for Autosomal recessive Alport syndrome. Last evaluated: 2025-01-09. Review status: criteria provided, single submitter. Criteria: ClinGen HL ACMG Specifications v1. Collection method: research. Allele origin: germline. Affected: yes.
Comment: PVS1;PM3_Supporting;PM2_Supporting